The following is an entry in ClinVar:

ClinVar aggregate classification (germline): Uncertain significance (1 of 4 stars; one submission).

Conditions:
Autosomal dominant childhood-onset proximal spinal muscular atrophy without contractures. Also called: KUGELBERG-WELANDER SYNDROME, AUTOSOMAL DOMINANT; Spinal muscular atrophy, lower extremity-predominant 1, AD; SPINAL MUSCULAR ATROPHY, CHILDHOOD, PROXIMAL, AUTOSOMAL DOMINANT; SPINAL MUSCULAR ATROPHY, JUVENILE, PROXIMAL, AUTOSOMAL DOMINANT. Identifiers: Orphanet 209341, Orphanet 363447, MedGen C5780022, MONDO:0008026, OMIM 158600.

Submission:

Neuberg Centre For Genomic Medicine, NCGM
Classification: Uncertain significance for Autosomal dominant childhood-onset proximal spinal muscular atrophy without contractures. Review status: criteria provided, single submitter. Criteria: ACMG Guidelines, 2015. Collection method: clinical testing. Allele origin: germline. Inheritance: Autosomal dominant inheritance. Affected: yes.
Comment: The missense variant p.P997S in DYNC1H1 (NM_001376.5) has not been reported previously as a pathogenic variant nor as a benign variant, to our knowledge. The p.P997S variant is novel (not in any individuals) in gnomAD Exomes and is novel (not in any individuals) in 1000 Genomes. The p.P997S missense variant is predicted to be damaging by both SIFT and PolyPhen2. The proline residue at codon 997 of DYNC1H1 is conserved in all mammalian species. The nucleotide c.2989 in DYNC1H1 is predicted conserved by GERP++ and PhyloP across 100 vertebrates. For these reasons, this variant has been classified as Uncertain Significance

NM_001376.5(DYNC1H1):c.2989C>T (p.Pro997Ser)

Gene: DYNC1H1 (dynein cytoplasmic 1 heavy chain 1; plus strand). Cytogenetic location: 14q32.31.
Variant type: single nucleotide variant.
Coding change: c.2989C>T on transcript NM_001376.5 (MANE Select); coding-DNA position 2989, C replaced by T.
Protein change: p.Pro997Ser; replaces proline 997 with serine.
Molecular consequence: missense variant.
Genome position (GRCh38, 1-based): chr14:101,991,647, C>T. VCF-style: chr14-101991647-C-T. GRCh37 (hg19) VCF-style: chr14-102457984-C-T.
Other names: short protein forms P997S.
Identifiers: ClinVar variation 2627419 (VCV002627419.1), dbSNP rs2503708471, ClinGen allele CA391030702.